The following is an entry in ClinVar:

ClinVar aggregate classification (germline): Uncertain significance (1 of 4 stars; one submission).

Conditions:
Hemolytic uremic syndrome, atypical, susceptibility to, 1. Also called: AHUS, SUSCEPTIBILITY TO, 1. Identifiers: Orphanet 2134, Orphanet 90038, MedGen C2749604, MONDO:0009335, OMIM 235400. Disease mechanism: Other.

Submission:

3billion
Classification: Uncertain significance for Hemolytic uremic syndrome, atypical, susceptibility to, 1. Last evaluated: 2024-11-11. Review status: criteria provided, single submitter. Criteria: ACMG Guidelines, 2015. Collection method: clinical testing. Allele origin: germline. Affected: yes.
Comment: The variant is not observed in the gnomAD v4.1.0 dataset. Predicted Consequence/Location: Intron variant In silico tools predict the variant to alter splicing and produce an abnormal transcript [SpliceAI: 0.98 (>=0.2, moderate evidence for spliceogenicity)]. Therefore, this variant is classified as VUS according to the recommendation of ACMG/AMP guideline.

NM_000186.4(CFH):c.3493+5G>T

Gene: CFH (complement factor H; plus strand). Cytogenetic location: 1q31.3.
Variant type: single nucleotide variant.
Coding change: c.3493+5G>T on transcript NM_000186.4 (MANE Select); 5 bases into the intron after coding-DNA position 3493, G replaced by T.
Molecular consequence: intron variant.
Genome position (GRCh38, 1-based): chr1:196,746,004, G>T. VCF-style: chr1-196746004-G-T. GRCh37 (hg19) VCF-style: chr1-196715134-G-T.
Identifiers: ClinVar variation 4292834 (VCV004292834.1).